The following is an entry in ClinVar:

ClinVar aggregate classification (germline): Uncertain significance. Review status: criteria provided, multiple submitters, no conflicts (2 of 4 stars). 3 submissions from 3 submitters: Uncertain significance (3). Last evaluated 2025-02-25.

Conditions:
Developmental and epileptic encephalopathy, 25 (DEE25). Also called: Epileptic encephalopathy, early infantile, 25; Developmental and epileptic encephalopathy 25, with amelogenesis imperfecta; Epileptic encephalopathy, early infantile, 25, with amelogenesis imperfecta. Identifiers: Orphanet 442835, MedGen C4014621, MONDO:0014392, OMIM 615905.

Submissions (3):

GeneDx
Classification: Uncertain significance. Last evaluated: 2025-02-25. Review status: criteria provided, single submitter. Criteria: GeneDx Variant Classification Process June 2021. Collection method: clinical testing. Allele origin: germline. Affected: yes.
Comment: Not observed at significant frequency in large population cohorts (gnomAD); In silico analysis supports that this missense variant has a deleterious effect on protein structure/function; Has not been previously published as pathogenic or benign to our knowledge

Labcorp Genetics (formerly Invitae), Labcorp
Classification: Uncertain significance for Developmental and epileptic encephalopathy, 25. Last evaluated: 2022-06-10. Review status: criteria provided, single submitter. Criteria: Invitae Variant Classification Sherloc (09022015). Collection method: clinical testing. Allele origin: germline.
Comment: In summary, the available evidence is currently insufficient to determine the role of this variant in disease. Therefore, it has been classified as a Variant of Uncertain Significance. Algorithms developed to predict the effect of missense changes on protein structure and function are either unavailable or do not agree on the potential impact of this missense change (SIFT: "Deleterious"; PolyPhen-2: "Benign"; Align-GVGD: "Class C0"). ClinVar contains an entry for this variant (Variation ID: 1301829). This variant has not been reported in the literature in individuals affected with SLC13A5-related conditions. This variant is not present in population databases (gnomAD no frequency). This sequence change replaces proline, which is neutral and non-polar, with leucine, which is neutral and non-polar, at codon 393 of the SLC13A5 protein (p.Pro393Leu).

Dubai Health Genomic Medicine Center, Dubai Health
Classification: Uncertain significance for Developmental and epileptic encephalopathy, 25. Last evaluated: 2020-03-19. Review status: criteria provided, single submitter. Criteria: ACMG Guidelines, 2015. Collection method: clinical testing. Allele origin: germline. Affected: yes.

NM_177550.5(SLC13A5):c.1178C>T (p.Pro393Leu)

Gene: SLC13A5 (solute carrier family 13 member 5; minus strand). Cytogenetic location: 17p13.1.
Variant type: single nucleotide variant.
Coding change: c.1178C>T on transcript NM_177550.5 (MANE Select); coding-DNA position 1178, C replaced by T.
Protein change: p.Pro393Leu; replaces proline 393 with leucine.
Molecular consequence: missense variant.
Genome position (GRCh38, 1-based): chr17:6,693,141, G>A on the plus strand (C>T on the coding strand, the complement: SLC13A5 is on the minus strand). VCF-style: chr17-6693141-G-A. GRCh37 (hg19) VCF-style: chr17-6596460-G-A.
Other names: c.1178C>T, p.Pro393Leu (NM_001143838.3); c.1127C>T, p.Pro376Leu (NM_001284509.2); c.1049C>T, p.Pro350Leu (NM_001284510.2); short protein forms P350L, P376L, P393L.
Identifiers: ClinVar variation 1301829 (VCV001301829.8), dbSNP rs1973458109, ClinGen allele CA397741603.